The following is an entry in ClinVar:

NM_001267550.2(TTN):c.84143T>C (p.Ile28048Thr)

Genes: TTN (titin; minus strand), TTN-AS1 (TTN antisense RNA 1; plus strand). Cytogenetic location: 2q31.2.
Variant type: single nucleotide variant.
Coding change: c.84143T>C on transcript NM_001267550.2 (MANE Select); coding-DNA position 84143, T replaced by C.
Protein change: p.Ile28048Thr; replaces isoleucine 28048 with threonine.
Molecular consequence: missense variant.
Genome position (GRCh38, 1-based): chr2:178,561,989, A>G on the plus strand (T>C on the coding strand, the complement: TTN is on the minus strand). VCF-style: chr2-178561989-A-G. GRCh37 (hg19) VCF-style: chr2-179426716-A-G.
Other names: c.79220T>C, p.Ile26407Thr (NM_001256850.1); c.56948T>C, p.Ile18983Thr (NM_003319.4); c.76439T>C, p.Ile25480Thr (NM_133378.4); c.57323T>C, p.Ile19108Thr (NM_133432.3); c.57524T>C, p.Ile19175Thr (NM_133437.4); short protein forms I18983T, I19108T, I19175T, I25480T, I26407T, I28048T.
Identifiers: ClinVar variation 3375735 (VCV003375735.1).

ClinVar aggregate classification (germline): Uncertain significance (1 of 4 stars; one submission).

gnomAD v4.1: 3 of 1,613,320 alleles (0.00019%); highest among the groups gnomAD compares: African/African-American, 0.0027%; no homozygotes.

Submission:

GeneDx
Classification: Uncertain significance. Last evaluated: 2024-05-09. Review status: criteria provided, single submitter. Criteria: GeneDx Variant Classification Process June 2021. Collection method: clinical testing. Allele origin: germline. Affected: yes.
Comment: Not observed at significant frequency in large population cohorts (gnomAD); Missense variant in a gene in which most reported pathogenic variants are truncating/loss of function; Has not been previously published as pathogenic or benign to our knowledge